The following is an entry in ClinVar:

ClinVar aggregate classification (germline): Pathogenic (1 of 4 stars; one submission).

Conditions:
Deficiency of steroid 11-beta-monooxygenase (CYP11B1). Also called: ADRENAL HYPERPLASIA, CONGENITAL, DUE TO STEROID 11-BETA-HYDROXYLASE DEFICIENCY; 11-BETA-HYDROXYLASE DEFICIENCY; ADRENAL HYPERPLASIA IV; P450C11B1 DEFICIENCY; STEROID 11-BETA-HYDROXYLASE DEFICIENCY; Congenital adrenal hyperplasia due to 11-beta-hydroxylase deficiency. Identifiers: Orphanet 90795, MedGen C0268292, MONDO:0008729, OMIM 202010. Disease mechanism: loss of function.

Submission:

Myriad Genetics, Inc.
Classification: Pathogenic for Deficiency of steroid 11-beta-monooxygenase. Last evaluated: 2023-09-27. Review status: criteria provided, single submitter. Criteria: Myriad Autosomal Dominant, Autosomal Recessive and X-Linked Classification Criteria (2023). Collection method: clinical testing. Allele origin: unknown.
Comment: NM_000497.3(CYP11B1):c.231dupC(I78Hfs*59) is expected to be pathogenic in the context of congenital adrenal hyperplasia, CYP11B1-related. This variant is predicted to lead to an abnormal or absent protein product due to the creation of a premature termination codon in CYP11B1, a gene where loss-of-function variants are known to be pathogenic. Please note: this variant was assessed in the context of healthy population screening.

NM_000497.4(CYP11B1):c.231dup (p.Ile78fs)

Gene: CYP11B1 (cytochrome P450 family 11 subfamily B member 1; minus strand). Cytogenetic location: 8q24.3.
Variant type: Duplication.
Coding change: c.231dup on transcript NM_000497.4 (MANE Select); coding-DNA position 231, one base duplicated (C; older notation c.231dupC).
Protein change: p.Ile78fs; shifts the reading frame from isoleucine 78.
Molecular consequence: frameshift variant.
Genome position (GRCh38, 1-based): chr8:142,879,583, G duplicated on the plus strand (C on the coding strand, the reverse complement: CYP11B1 is on the minus strand); the first of 3 consecutive G bases (chr8:142,879,583-142,879,585); duplicating any one gives the same sequence. VCF-style (leftmost placement, unchanged base first): chr8-142879582-T-TG. GRCh37 (hg19) VCF-style: chr8-143960998-T-TG.
Other names: c.231dup, p.Ile78fs (NM_001026213.1); short protein forms I78fs.
Identifiers: ClinVar variation 5012236 (VCV005012236.1).